The following is an entry in ClinVar:

NM_001365536.1(SCN9A):c.3230A>G (p.Gln1077Arg)

Genes: SCN9A (sodium voltage-gated channel alpha subunit 9; minus strand), SCN1A-AS1 (SCN1A and SCN9A antisense RNA 1; plus strand). Cytogenetic location: 2q24.3.
Variant type: single nucleotide variant.
Coding change: c.3230A>G on transcript NM_001365536.1 (MANE Select); coding-DNA position 3230, A replaced by G.
Protein change: p.Gln1077Arg; replaces glutamine 1077 with arginine.
Molecular consequence: missense variant.
Genome position (GRCh38, 1-based): chr2:166,272,520, T>C on the plus strand (A>G on the coding strand, the complement: SCN9A is on the minus strand). VCF-style: chr2-166272520-T-C. GRCh37 (hg19) VCF-style: chr2-167129030-T-C.
Other names: c.3197A>G, p.Gln1066Arg (NM_002977.4); short protein forms Q1077R, Q1066R.
Identifiers: ClinVar variation 2182808 (VCV002182808.4), dbSNP rs1269109229, ClinGen allele CA349073012.
Genomic context (GRCh38, chr2:166,272,520, plus strand): 5'-TCGGATTCCCCAGGTGCAATTGGCACTGTCACTGTGAGGCTGGGATTGTGAATAAATGAT[T>C]GACCATCACTGTCTTCCATCAAGTGTTTGTCCACGCTGCTTCCAAAACCACTGATTTTAT-3'
Protein context (NP_001352465.1, residues 1067-1087): DKHLMEDSDG[Gln1077Arg]SFIHNPSLTV

ClinVar aggregate classification (germline): Uncertain significance (1 of 4 stars; one submission).

Conditions:
Generalized epilepsy with febrile seizures plus, type 7 (GEFSP7). Also called: GEFS+, TYPE 7. Identifiers: Orphanet 36387, MedGen C2751778, MONDO:0013470, OMIM 613863.
Neuropathy, hereditary sensory and autonomic, type 2A (HSAN2A). Also called: WNK1-Related HSAN2 (HSAN2A); MORVAN DISEASE; HSAN IIA; ACROOSTEOLYSIS, GIACCAI TYPE; ACROOSTEOLYSIS, NEUROGENIC; NEUROPATHY, CONGENITAL SENSORY. Identifiers: Orphanet 970, MedGen C2752089, MONDO:0024309, OMIM 201300.

Allele frequency attached by ClinVar (database versions not stated): gnomAD exomes below 0.00001.
gnomAD v4.1: 1 of 1,613,408 alleles (0.000062%); highest among the groups gnomAD compares: Admixed American, 0.0017%; no homozygotes.

Submission:

Labcorp Genetics (formerly Invitae), Labcorp
Classification: Uncertain significance for Neuropathy, hereditary sensory and autonomic, type 2A; Generalized epilepsy with febrile seizures plus, type 7. Last evaluated: 2023-12-09. Review status: criteria provided, single submitter. Criteria: Invitae Variant Classification Sherloc (09022015). Collection method: clinical testing. Allele origin: germline.
Comment: This sequence change replaces glutamine, which is neutral and polar, with arginine, which is basic and polar, at codon 1066 of the SCN9A protein (p.Gln1066Arg). This variant is present in population databases (no rsID available, gnomAD 0.003%). This variant has not been reported in the literature in individuals affected with SCN9A-related conditions. ClinVar contains an entry for this variant (Variation ID: 2182808). Advanced modeling of protein sequence and biophysical properties (such as structural, functional, and spatial information, amino acid conservation, physicochemical variation, residue mobility, and thermodynamic stability) performed at Invitae indicates that this missense variant is not expected to disrupt SCN9A protein function with a negative predictive value of 95%. In summary, the available evidence is currently insufficient to determine the role of this variant in disease. Therefore, it has been classified as a Variant of Uncertain Significance.